The following is an entry in ClinVar:

NM_017644.3(KLHL24):c.1551C>G (p.Tyr517Ter)

Gene: KLHL24 (kelch like family member 24; plus strand). Cytogenetic location: 3q27.1.
Variant type: single nucleotide variant.
Coding change: c.1551C>G on transcript NM_017644.3 (MANE Select); coding-DNA position 1551, C replaced by G.
Protein change: p.Tyr517Ter; replaces tyrosine 517 with a stop codon.
Molecular consequence: nonsense. On other transcripts: non-coding transcript variant (2).
Genome position (GRCh38, 1-based): chr3:183,672,433, C>G. VCF-style: chr3-183672433-C-G. GRCh37 (hg19) VCF-style: chr3-183390221-C-G.
Other names: c.1626C>G, p.Tyr542Ter (NM_001349413.1, NM_001349414.1, NM_001349415.1 and 3 more transcripts); c.1551C>G, p.Tyr517Ter (NM_001349419.1, NM_001349420.1, NM_001349421.1 and 5 more transcripts); c.708C>G, p.Tyr236Ter (NM_001349428.1, NM_001349429.1); short protein forms Y517*, Y236*, Y542*.
Identifiers: ClinVar variation 4985824 (VCV004985824.1).
Genomic context (GRCh38, chr3:183,672,433, plus strand): 5'-TGTATCCCTAAACAACCTGATCTATGTTGCCGGTGGACTGACCAAGGCAATATACTGTTA[C>G]GATCCAGTTGAAGATTACTGGATGCACGTACAGAATACATTCAGCCGTCAGGTAATAACA-3'

ClinVar aggregate classification (germline): Likely pathogenic (1 of 4 stars; one submission).

Conditions:
KLHL24-related disorder. Also called: KLHL24-related condition.

gnomAD v4.1: 2 of 1,613,070 alleles (0.00012%); highest among the groups gnomAD compares: African/African-American, 0.0027%; no homozygotes.

Submission:

PreventionGenetics, part of Exact Sciences
Classification: Likely pathogenic for KLHL24-related condition. Last evaluated: 2026-05-22. Review status: criteria provided, single submitter. Criteria: ACMG Guidelines, 2015. Collection method: clinical testing. Allele origin: germline.
Comment: The KLHL24 c.1551C>G variant is predicted to result in premature protein termination (p.Tyr517*). To our knowledge, this variant has not been reported in the literature. This variant is reported in 0.012% of alleles in individuals of African descent in gnomAD. Nonsense variants in KLHL24 are expected to be pathogenic. This variant is interpreted as likely pathogenic for autosomal recessive KLHL24-related disorders.